The following is an entry in ClinVar:

ClinVar aggregate classification (germline): Uncertain significance. Review status: criteria provided, multiple submitters, no conflicts (2 of 4 stars). 2 submissions from 2 submitters: Uncertain significance (2). Last evaluated 2025-05-14.

Conditions:
Inborn genetic diseases. Identifiers: MedGen C0950123, MeSH D030342.
Perlman syndrome (PRLMNS). Identifiers: Orphanet 2849, MedGen C0796113, MONDO:0009965, OMIM 267000.

Allele frequency attached by ClinVar (database versions not stated): TOPMed below 0.00001.

Submissions (2):

Ambry Genetics
Classification: Uncertain significance for Inborn genetic diseases. Last evaluated: 2025-05-14. Review status: criteria provided, single submitter. Criteria: Ambry Variant Classification Scheme 2023. Collection method: clinical testing. Allele origin: germline.

Labcorp Genetics (formerly Invitae), Labcorp
Classification: Uncertain significance for Perlman syndrome. Last evaluated: 2025-04-28. Review status: criteria provided, single submitter. Criteria: Invitae Variant Classification Sherloc (09022015). Collection method: clinical testing. Allele origin: germline.
Comment: This sequence change replaces threonine, which is neutral and polar, with alanine, which is neutral and non-polar, at codon 835 of the DIS3L2 protein (p.Thr835Ala). This variant is not present in population databases (gnomAD no frequency). This variant has not been reported in the literature in individuals affected with DIS3L2-related conditions. ClinVar contains an entry for this variant (Variation ID: 410761). Invitae Evidence Modeling of protein sequence and biophysical properties (such as structural, functional, and spatial information, amino acid conservation, physicochemical variation, residue mobility, and thermodynamic stability) indicates that this missense variant is not expected to disrupt DIS3L2 protein function with a negative predictive value of 80%. In summary, the available evidence is currently insufficient to determine the role of this variant in disease. Therefore, it has been classified as a Variant of Uncertain Significance.

NM_152383.5(DIS3L2):c.2503A>G (p.Thr835Ala)

Gene: DIS3L2 (DIS3 like 3'-5' exoribonuclease 2; plus strand). Cytogenetic location: 2q37.1.
Variant type: single nucleotide variant.
Coding change: c.2503A>G on transcript NM_152383.5 (MANE Select); coding-DNA position 2503, A replaced by G.
Protein change: p.Thr835Ala; replaces threonine 835 with alanine.
Molecular consequence: missense variant. On other transcripts: non-coding transcript variant (2), intron variant (1).
Genome position (GRCh38, 1-based): chr2:232,336,475, A>G. VCF-style: chr2-232336475-A-G. GRCh37 (hg19) VCF-style: chr2-233201185-A-G.
Other names: c.1582-6870A>G (NM_001257281.2); short protein forms T835A.
Identifiers: ClinVar variation 410761 (VCV000410761.12), dbSNP rs1060503035, ClinGen allele CA16610665.